The following is an entry in ClinVar:

NM_015164.4(PLEKHM2):c.1543C>T (p.Arg515Trp)

Gene: PLEKHM2 (pleckstrin homology and RUN domain containing M2; plus strand). Cytogenetic location: 1p36.21.
Variant type: single nucleotide variant.
Coding change: c.1543C>T on transcript NM_015164.4 (MANE Select); coding-DNA position 1543, C replaced by T.
Protein change: p.Arg515Trp; replaces arginine 515 with tryptophan.
Molecular consequence: missense variant.
Genome position (GRCh38, 1-based): chr1:15,727,615, C>T. VCF-style: chr1-15727615-C-T. GRCh37 (hg19) VCF-style: chr1-16054110-C-T.
Other names: short protein forms R515W.
Identifiers: ClinVar variation 1052791 (VCV001052791.10), dbSNP rs747848774, ClinGen allele CA616955.
Genomic context (GRCh38, chr1:15,727,615, plus strand): 5'-AGTAGCCCTGAGGCTGCTGGCCAAGAAGAAGAGGGAGGAGGAGGAGAGGGACAGACGCCT[C>T]GGCCCCTAGAGGATACCACGAGGGAGGCTCAGGAGCTGGAGGCCCAGCTGTCCCTGGTCA-3'
Protein context (NP_055979.2, residues 505-525): EGGGGEGQTP[Arg515Trp]PLEDTTREAQ

ClinVar aggregate classification (germline): Conflicting classifications of pathogenicity. Review status: criteria provided, conflicting classifications (1 of 4 stars). 2 submissions from 2 submitters: Uncertain significance (1); Likely benign (1). Last evaluated 2026-01-24.

Allele frequency attached by ClinVar (database versions not stated): gnomAD 0.00003; TOPMed 0.00003; ExAC 0.00005; gnomAD exomes 0.00005 and 0.00006.
gnomAD v4.1: 78 of 1,586,570 alleles (0.0049%); highest among the groups gnomAD compares: African/African-American, 0.013%; no homozygotes.

Submissions (2):

Labcorp Genetics (formerly Invitae), Labcorp
Classification: Uncertain significance. Last evaluated: 2026-01-24. Review status: criteria provided, single submitter. Criteria: Invitae Variant Classification Sherloc (09022015). Collection method: clinical testing. Allele origin: germline.
Comment: This sequence change replaces arginine, which is basic and polar, with tryptophan, which is neutral and slightly polar, at codon 515 of the PLEKHM2 protein (p.Arg515Trp). This variant is present in population databases (rs747848774, gnomAD 0.02%). This variant has not been reported in the literature in individuals affected with PLEKHM2-related conditions. ClinVar contains an entry for this variant (Variation ID: 1052791). An algorithm developed to predict the effect of missense changes on protein structure and function (PolyPhen-2) suggests that this variant is likely to be tolerated. In summary, the available evidence is currently insufficient to determine the role of this variant in disease. Therefore, it has been classified as a Variant of Uncertain Significance.

Blueprint Genetics
Classification: Likely benign. Last evaluated: 2024-06-06. Review status: criteria provided, single submitter. Criteria: ACMG Guidelines, 2015. Collection method: clinical testing. Allele origin: germline.